The following is an entry in ClinVar:

NM_001127208.3(TET2):c.2515C>T (p.His839Tyr)

Genes: TET2 (tet methylcytosine dioxygenase 2; plus strand), TET2-AS1 (TET2 antisense RNA 1; minus strand). Cytogenetic location: 4q24.
Variant type: single nucleotide variant.
Coding change: c.2515C>T on transcript NM_001127208.3 (MANE Select); coding-DNA position 2515, C replaced by T.
Protein change: p.His839Tyr; replaces histidine 839 with tyrosine.
Molecular consequence: missense variant.
Genome position (GRCh38, 1-based): chr4:105,236,457, C>T. VCF-style: chr4-105236457-C-T. GRCh37 (hg19) VCF-style: chr4-106157614-C-T.
Other names: c.2515C>T, p.His839Tyr (NM_017628.4); short protein forms H839Y.
Identifiers: ClinVar variation 3455357 (VCV003455357.1).

ClinVar aggregate classification (germline): Uncertain significance (1 of 4 stars; one submission).

Submission:

Ambry Genetics
Classification: Uncertain significance. Last evaluated: 2024-11-30. Review status: criteria provided, single submitter. Criteria: Ambry Variant Classification Scheme 2023. Collection method: clinical testing. Allele origin: germline.
Comment: The p.H839Y variant (also known as c.2515C>T), located in coding exon 1 of the TET2 gene, results from a C to T substitution at nucleotide position 2515. The histidine at codon 839 is replaced by tyrosine, an amino acid with similar properties. This amino acid position is conserved. In addition, this alteration is predicted to be tolerated by in silico analysis. Based on the available evidence, the clinical significance of this variant remains unclear.